The following is an entry in ClinVar:

NM_025136.4(OPA3):c.431C>A (p.Pro144Gln)

Genes: OPA3 (outer mitochondrial membrane lipid metabolism regulator OPA3; minus strand), OPA3-RTN2 (OPA3-RTN2 readthrough; minus strand). Cytogenetic location: 19q13.32.
Variant type: single nucleotide variant.
Coding change: c.431C>A on transcript NM_025136.4 (MANE Select); coding-DNA position 431, C replaced by A.
Protein change: p.Pro144Gln; replaces proline 144 with glutamine.
Molecular consequence: missense variant. On other transcripts: intron variant (1).
Genome position (GRCh38, 1-based): chr19:45,553,623, G>T on the plus strand (C>A on the coding strand, the complement: OPA3 is on the minus strand). VCF-style: chr19-45553623-G-T. GRCh37 (hg19) VCF-style: chr19-46056881-G-T.
Other names: c.143-24167C>A (NM_001017989.3); short protein forms P144Q.
Identifiers: ClinVar variation 1011846 (VCV001011846.8), dbSNP rs775398472, ClinGen allele CA406370014.

ClinVar aggregate classification (germline): Uncertain significance (1 of 4 stars; one submission).

Conditions:
3-Methylglutaconic aciduria type 3 (MGCA3). Also called: OPA3, AUTOSOMAL RECESSIVE; OPTIC ATROPHY 3, AUTOSOMAL RECESSIVE; Costeff Syndrome; OPA3-Related 3-Methylglutaconic Aciduria. Identifiers: Orphanet 67047, MedGen C0574084, MONDO:0009787, OMIM 258501.
Optic atrophy 3 (OPA3). Also called: OPTIC ATROPHY 3, AUTOSOMAL DOMINANT; Optic atrophy 3 with cataract; Optic atrophy, cataract, and neurologic disorder. Identifiers: Orphanet 67036, MedGen C1833809, MONDO:0008133, OMIM 165300.

Submission:

Labcorp Genetics (formerly Invitae), Labcorp
Classification: Uncertain significance for 3-Methylglutaconic aciduria type 3; Optic atrophy 3. Last evaluated: 2023-08-14. Review status: criteria provided, single submitter. Criteria: Invitae Variant Classification Sherloc (09022015). Collection method: clinical testing. Allele origin: germline.
Comment: This sequence change replaces proline, which is neutral and non-polar, with glutamine, which is neutral and polar, at codon 144 of the OPA3 protein (p.Pro144Gln). This variant is not present in population databases (gnomAD no frequency). This variant has not been reported in the literature in individuals affected with OPA3-related conditions. ClinVar contains an entry for this variant (Variation ID: 1011846). An algorithm developed to predict the effect of missense changes on protein structure and function (PolyPhen-2) suggests that this variant is likely to be tolerated. In summary, the available evidence is currently insufficient to determine the role of this variant in disease. Therefore, it has been classified as a Variant of Uncertain Significance.